The following is an entry in ClinVar:

ClinVar aggregate classification (germline): Uncertain significance (1 of 4 stars; one submission).

Allele frequency attached by ClinVar (database versions not stated): gnomAD exomes below 0.00001.
gnomAD v4.1: 3 of 1,611,504 alleles (0.00019%); highest among the groups gnomAD compares: Non-Finnish European, 0.00025%; no homozygotes.

Submission:

Ambry Genetics
Classification: Uncertain significance. Last evaluated: 2025-04-19. Review status: criteria provided, single submitter. Criteria: Ambry Variant Classification Scheme 2023. Collection method: clinical testing. Allele origin: germline.
Comment: The p.R486G variant (also known as c.1456A>G), located in coding exon 12 of the RECQL gene, results from an A to G substitution at nucleotide position 1456. The arginine at codon 486 is replaced by glycine, an amino acid with dissimilar properties. This amino acid position is conserved. In addition, this alteration is predicted to be tolerated by in silico analysis. Since supporting evidence is limited at this time, the clinical significance of this alteration remains unclear.

NM_002907.4(RECQL):c.1456A>G (p.Arg486Gly)

Gene: RECQL (RecQ like helicase; minus strand). Cytogenetic location: 12p12.1.
Variant type: single nucleotide variant.
Coding change: c.1456A>G on transcript NM_002907.4 (MANE Select); coding-DNA position 1456, A replaced by G.
Protein change: p.Arg486Gly; replaces arginine 486 with glycine.
Molecular consequence: missense variant.
Genome position (GRCh38, 1-based): chr12:21,471,639, T>C on the plus strand (A>G on the coding strand, the complement: RECQL is on the minus strand). VCF-style: chr12-21471639-T-C. GRCh37 (hg19) VCF-style: chr12-21624573-T-C.
Other names: c.1456A>G, p.Arg486Gly (NM_032941.3); short protein forms R486G.
Identifiers: ClinVar variation 2450988 (VCV002450988.3), dbSNP rs1942968503, ClinGen allele CA384116385.